The following is an entry in ClinVar:

ClinVar aggregate classification (germline): Benign/Likely benign. Review status: criteria provided, multiple submitters, no conflicts (2 of 4 stars). 3 submissions from 3 submitters: Benign (1); Likely benign (2). Last evaluated 2025-02-26.

Conditions:
Multiple endocrine neoplasia, type 2 (MEN2). Identifiers: Orphanet 653, MedGen C4048306, MONDO:0019003. Disease mechanism: gain of function.
Multiple endocrine neoplasia type 2A. Also called: MULTIPLE ENDOCRINE NEOPLASIA, TYPE IIA; PTC SYNDROME; SIPPLE SYNDROME; MEN 2A; MEN-2A syndrome; Pheochromocytoma and amyloid producing medullary thyroid carcinoma. Identifiers: Orphanet 247698, Orphanet 653, MedGen C0025268, MeSH D018813, MONDO:0008234, OMIM 171400.
Hereditary cancer-predisposing syndrome. Also called: Tumor predisposition; Neoplastic Syndromes, Hereditary; Hereditary Cancer Syndrome; Hereditary neoplastic syndrome. Identifiers: Orphanet 140162, MedGen C0027672, MeSH D009386, MONDO:0015356.

Allele frequency attached by ClinVar (database versions not stated): gnomAD exomes below 0.00001; TOPMed below 0.00001; ExAC 0.00001.
gnomAD v4.1: 1 of 1,608,558 alleles (0.000062%); highest among the groups gnomAD compares: Non-Finnish European, 0.000085%; no homozygotes.

Submissions (3):

Myriad Genetics, Inc.
Classification: Benign for Multiple endocrine neoplasia type 2A. Last evaluated: 2025-02-26. Review status: criteria provided, single submitter. Criteria: Myriad Autosomal Dominant, Autosomal Recessive and X-Linked Classification Criteria (2023). Collection method: clinical testing. Allele origin: unknown.
Comment: This variant is considered benign. This variant is a silent/synonymous amino acid change and it is not expected to impact splicing.

Labcorp Genetics (formerly Invitae), Labcorp
Classification: Likely benign for Multiple endocrine neoplasia, type 2. Last evaluated: 2024-03-07. Review status: criteria provided, single submitter. Criteria: Invitae Variant Classification Sherloc (09022015). Collection method: clinical testing. Allele origin: germline.

Ambry Genetics
Classification: Likely benign for Hereditary cancer-predisposing syndrome. Last evaluated: 2022-08-07. Review status: criteria provided, single submitter. Criteria: Ambry Variant Classification Scheme 2023. Collection method: clinical testing. Allele origin: germline.

NM_020975.6(RET):c.1911G>T (p.Val637=)

Gene: RET (ret proto-oncogene; plus strand). Cytogenetic location: 10q11.21.
Variant type: single nucleotide variant.
Coding change: c.1911G>T on transcript NM_020975.6 (MANE Select); coding-DNA position 1911, G replaced by T.
Protein change: p.Val637=; no amino-acid change (valine 637 retained).
Molecular consequence: synonymous variant. On other transcripts: intron variant (4).
Genome position (GRCh38, 1-based): chr10:43,114,511, G>T. VCF-style: chr10-43114511-G-T. GRCh37 (hg19) VCF-style: chr10-43609959-G-T.
Other names: c.1911G>T, p.Val637= (NM_000323.2, NM_001406743.1, NM_001406744.1 and 4 more transcripts); c.1149G>T, p.Val383= (NM_001355216.2); c.1782G>T, p.Val594= (NM_001406761.1, NM_001406762.1, NM_001406764.1); c.1623G>T, p.Val541= (NM_001406766.1, NM_001406767.1, NM_001406770.1); c.1515G>T, p.Val505= (NM_001406769.1, NM_001406772.1); c.1473G>T, p.Val491= (NM_001406771.1, NM_001406773.1); c.1386G>T, p.Val462= (NM_001406774.1); c.1185G>T, p.Val395= (NM_001406775.1, NM_001406776.1, NM_001406777.1 and 1 more transcripts); and 10 more.
Identifiers: ClinVar variation 1108930 (VCV001108930.13), dbSNP rs761187737, ClinGen allele CA036510.